The following is an entry in ClinVar:

NM_001033855.3(DCLRE1C):c.634T>A (p.Tyr212Asn)

Gene: DCLRE1C (DNA cross-link repair 1C; minus strand). Cytogenetic location: 10p13.
Variant type: single nucleotide variant.
Coding change: c.634T>A on transcript NM_001033855.3 (MANE Select); coding-DNA position 634, T replaced by A.
Protein change: p.Tyr212Asn; replaces tyrosine 212 with asparagine.
Molecular consequence: missense variant. On other transcripts: non-coding transcript variant (4).
Genome position (GRCh38, 1-based): chr10:14,934,424, A>T on the plus strand (T>A on the coding strand, the complement: DCLRE1C is on the minus strand). VCF-style: chr10-14934424-A-T. GRCh37 (hg19) VCF-style: chr10-14976423-A-T.
Other names: NM_001033855.3(DCLRE1C):c.634T>A; p.Tyr212Asn; c.274T>A, p.Tyr92Asn (NM_001033857.3, NM_001033858.3, NM_001289077.2 and 2 more transcripts); c.289T>A, p.Tyr97Asn (NM_001289076.2, NM_001289078.2, NM_001350966.2 and 1 more transcripts); c.634T>A, p.Tyr212Asn (NM_001350965.2); short protein forms Y212N, Y92N, Y97N.
Identifiers: ClinVar variation 989764 (VCV000989764.1), dbSNP rs1839556682, ClinGen allele CA376059451.
Genomic context (GRCh38, chr10:14,934,424, plus strand): 5'-TGAACAGTCACCATACCTGGACTCCTAATTCTTCACTAAGGTTGGTGAACAGATATTCAT[A>T]GCCATAAGCCGCTTTGCAGTTCAGCCACACAACATGGTACGGGCTCCGAGTGATCCAGCT-3'
Protein context (NP_001029027.1, residues 202-222): VWLNCKAAYG[Tyr212Asn]EYLFTNLSEE

ClinVar aggregate classification (germline): Uncertain significance. Review status: reviewed by expert panel (3 of 4 stars). 2 submissions from 2 submitters: Uncertain significance (1). 1 of the submissions does not count toward it. Last evaluated 2024-02-15.

Conditions:
Histiocytic medullary reticulosis. Also called: SEVERE COMBINED IMMUNODEFICIENCY WITH HYPEREOSINOPHILIA; Omenn syndrome. Identifiers: Orphanet 39041, MedGen C2700553, MONDO:0011338, OMIM 603554.
Severe combined immunodeficiency due to DCLRE1C deficiency (RS-SCID). Also called: SCID, AUTOSOMAL RECESSIVE, T CELL-NEGATIVE, B CELL-NEGATIVE, NK CELL-POSITIVE, WITH SENSITIVITY TO IONIZING RADIATION. Identifiers: Orphanet 275, MedGen C1865371, MONDO:0011225, OMIM 602450.

Submissions (2):

ClinGen Severe Combined Immunodeficiency Variant Curation Expert Panel, ClinGen
Classification: Uncertain significance for Severe combined immunodeficiency due to DCLRE1C deficiency. Last evaluated: 2024-02-15. Review status: reviewed by expert panel. Criteria: ClinGen SCID ACMG Specifications DCLRE1C V1.0.0. Collection method: curation. Allele origin: germline. Inheritance: Autosomal recessive inheritance.
Comment: The c.634T>A (NM_001033855.3) variant in DCLRE1C is a missense variant predicted to cause the substitution of Tyrosine by Asparagine at amino acid 212 (p.Tyr212Asn). This variant is absent from gnomAD v4 (PM2_Supporting). To our knowledge, this variant has not been reported in the literature in individuals affected with SCID/DCLRE1C-related conditions or in functional studies. Due to insufficient evidence, this variant meets the criteria to be classified as a variant of uncertain significance for autosomal recessive severe combined immunodeficiency due to DCLRE1C deficiency based on the ACMG/AMP criteria applied, as specified by the ClinGen SCID VCEP: PM2_Supporting (VCEP specifications version 1).

Natera, Inc.
Classification: Uncertain significance for Omenn syndrome. Last evaluated: 2020-04-13. Review status: no assertion criteria provided. Collection method: clinical testing. Allele origin: germline. Not counted in ClinVar's aggregate classification.